The following is an entry in ClinVar:

ClinVar aggregate classification (germline): Uncertain significance. Review status: criteria provided, multiple submitters, no conflicts (2 of 4 stars). 4 submissions from 4 submitters: Uncertain significance (4). Last evaluated 2023-05-20.

Conditions:
Developmental and epileptic encephalopathy, 3 (DEE3). Also called: Epileptic encephalopathy, early infantile, 3. Identifiers: MedGen C5574665, MONDO:0012245, OMIM 609304.
Developmental and epileptic encephalopathy. Identifiers: MedGen C5779964, MONDO:0100620.
Inborn genetic diseases. Identifiers: MedGen C0950123, MeSH D030342.

Allele frequency attached by ClinVar (database versions not stated): gnomAD exomes below 0.00001; ExAC 0.00001; TOPMed 0.00001; gnomAD 0.00003.

Submissions (4):

Neuberg Centre For Genomic Medicine, NCGM
Classification: Uncertain significance for Developmental and epileptic encephalopathy, 3. Last evaluated: 2023-05-20. Review status: criteria provided, single submitter. Criteria: ACMG Guidelines, 2015. Collection method: clinical testing. Allele origin: germline. Inheritance: Autosomal recessive inheritance. Affected: yes.
Comment: The observed missense variant c.871C>T(p.Arg291Cys) in the SLC25A22 gene has not been reported previously as a pathogenic variant nor as a benign variant, to our knowledge. This variant is reported with the allele frequency 0.001% in the gnomAD Exomes. This variant has been reported to the ClinVar database as Uncertain Significance. However, no details are available for independent assessment. The amino acid Arginine at position 291 is changed to a Cysteine changing protein sequence and it might alter its composition and physico- chemical properties. Multiple lines of computational evidence (Polyphen - Probably damaging, SIFT - Damaging and MutationTaster - Disease causing) predict a damaging effect on protein structure and function for this variant. The residue is conserved by GERP++ and PhyloP across 100 vertebrates. For these reasons, this variant has been classified as Uncertain Significance.

Labcorp Genetics (formerly Invitae), Labcorp
Classification: Uncertain significance for Early-infantile DEE. Last evaluated: 2021-09-02. Review status: criteria provided, single submitter. Criteria: Invitae Variant Classification Sherloc (09022015). Collection method: clinical testing. Allele origin: germline.
Comment: This sequence change replaces arginine with cysteine at codon 291 of the SLC25A22 protein (p.Arg291Cys). The arginine residue is highly conserved and there is a large physicochemical difference between arginine and cysteine. This variant is present in population databases (rs762897089, ExAC 0.02%). This variant has not been reported in the literature in individuals affected with SLC25A22-related conditions. Algorithms developed to predict the effect of missense changes on protein structure and function are either unavailable or do not agree on the potential impact of this missense change (SIFT: "Deleterious"; PolyPhen-2: "Probably Damaging"; Align-GVGD: "Class C0"). In summary, the available evidence is currently insufficient to determine the role of this variant in disease. Therefore, it has been classified as a Variant of Uncertain Significance.

GeneDx
Classification: Uncertain significance. Last evaluated: 2019-05-14. Review status: criteria provided, single submitter. Criteria: GeneDx Variant Classification Process June 2021. Collection method: clinical testing. Allele origin: germline. Affected: yes.
Comment: Not observed at a significant frequency in large population cohorts (Lek et al., 2016); In silico analysis, which includes protein predictors and evolutionary conservation, supports a deleterious effect; Has not been previously published as pathogenic or benign to our knowledge

Ambry Genetics
Classification: Uncertain significance for Inborn genetic diseases. Last evaluated: 2018-06-26. Review status: criteria provided, single submitter. Criteria: Ambry Variant Classification Scheme 2023. Collection method: clinical testing. Allele origin: germline.
Comment: The p.R291C variant (also known as c.871C>T), located in coding exon 9 of the SLC25A22 gene, results from a C to T substitution at nucleotide position 871. The arginine at codon 291 is replaced by cysteine, an amino acid with highly dissimilar properties. This amino acid position is highly conserved in available vertebrate species. In addition, this alteration is predicted to be deleterious by in silico analysis. Since supporting evidence is limited at this time, the clinical significance of this alteration remains unclear.

NM_001191061.2(SLC25A22):c.871C>T (p.Arg291Cys)

Gene: SLC25A22 (solute carrier family 25 member 22; minus strand). Cytogenetic location: 11p15.5.
Variant type: single nucleotide variant.
Coding change: c.871C>T on transcript NM_001191061.2 (MANE Select); coding-DNA position 871, C replaced by T.
Protein change: p.Arg291Cys; replaces arginine 291 with cysteine.
Molecular consequence: missense variant.
Genome position (GRCh38, 1-based): chr11:792,016, G>A on the plus strand (C>T on the coding strand, the complement: SLC25A22 is on the minus strand). VCF-style: chr11-792016-G-A. GRCh37 (hg19) VCF-style: chr11-792016-G-A.
Other names: c.871C>T, p.Arg291Cys (NM_001191060.2, NM_024698.6); short protein forms R291C.
Identifiers: ClinVar variation 1021665 (VCV001021665.11), dbSNP rs762897089, ClinGen allele CA5789016.
Genomic context (GRCh38, chr11:792,016, plus strand): 5'-CGATGCCCAGGAAGTAGACCACCTGTGCGATGCCGAAAAGGGGCGCGATGACCAGCGCGC[G>A]GCAGTAGGCGCCCTTCAGGAAGGCCGAGGGGCCCTCGTGCCGCAGGATCTTCCTGTGGAG-3'
Protein context (NP_001177990.1, residues 281-301): PSAFLKGAYC[Arg291Cys]ALVIAPLFGI